The following is an entry in ClinVar:

ClinVar aggregate classification (germline): Conflicting classifications of pathogenicity. Review status: criteria provided, conflicting classifications (1 of 4 stars). 2 submissions from 2 submitters: Uncertain significance (1); Likely benign (1). Last evaluated 2025-06-04.

Conditions:
Tuberous sclerosis 1 (TSC1). Identifiers: Orphanet 805, MedGen C1854465, MONDO:0008612, OMIM 191100.

Submissions (2):

Labcorp Genetics (formerly Invitae), Labcorp
Classification: Likely benign for Tuberous sclerosis 1. Last evaluated: 2025-06-04. Review status: criteria provided, single submitter. Criteria: Invitae Variant Classification Sherloc (09022015). Collection method: clinical testing. Allele origin: germline.

GeneDx
Classification: Uncertain significance. Last evaluated: 2023-04-03. Review status: criteria provided, single submitter. Criteria: GeneDx Variant Classification Process June 2021. Collection method: clinical testing. Allele origin: germline. Affected: yes.
Comment: Not observed at significant frequency in large population cohorts (gnomAD); In silico analysis supports that this variant does not alter splicing; Has not been previously published as pathogenic or benign to our knowledge

NM_000368.5(TSC1):c.1410A>G (p.Glu470=)

Gene: TSC1 (TSC complex subunit 1; minus strand). Cytogenetic location: 9q34.13.
Variant type: single nucleotide variant.
Coding change: c.1410A>G on transcript NM_000368.5 (MANE Select); coding-DNA position 1410, A replaced by G.
Protein change: p.Glu470=; no amino-acid change (glutamic acid 470 retained).
Molecular consequence: synonymous variant.
Genome position (GRCh38, 1-based): chr9:132,906,759, T>C on the plus strand (A>G on the coding strand, the complement: TSC1 is on the minus strand). VCF-style: chr9-132906759-T-C. GRCh37 (hg19) VCF-style: chr9-135782146-T-C.
Other names: c.1407A>G, p.Glu469= (NM_001162426.2); c.1257A>G, p.Glu419= (NM_001162427.2); c.1047A>G, p.Glu349= (NM_001362177.2); c.1410A>G (NM_000368.4).
Identifiers: ClinVar variation 1153682 (VCV001153682.9), dbSNP rs2131863384, ClinGen allele CA467591647.